The following is an entry in ClinVar:

ClinVar aggregate classification (germline): Uncertain significance (1 of 4 stars; one submission).

Conditions:
Hereditary cancer-predisposing syndrome. Also called: Neoplastic Syndromes, Hereditary; Hereditary Cancer Syndrome; Tumor predisposition; Hereditary neoplastic syndrome. Identifiers: Orphanet 140162, MedGen C0027672, MeSH D009386, MONDO:0015356.

Allele frequency attached by ClinVar (database versions not stated): gnomAD exomes below 0.00001.
gnomAD v4.1: 1 of 1,614,202 alleles (0.000062%); highest among the groups gnomAD compares: Non-Finnish European, 0.000085%; no homozygotes.

Submission:

Ambry Genetics
Classification: Uncertain significance for Hereditary cancer-predisposing syndrome. Last evaluated: 2025-07-09. Review status: criteria provided, single submitter. Criteria: Ambry Variant Classification Scheme 2023. Collection method: clinical testing. Allele origin: germline.
Comment: The p.R125G variant (also known as c.373A>G), located in coding exon 3 of the EPCAM gene, results from an A to G substitution at nucleotide position 373. The arginine at codon 125 is replaced by glycine, an amino acid with dissimilar properties. This amino acid position is conserved. In addition, this alteration is predicted to be deleterious by in silico analysis. Since supporting evidence is limited at this time, the clinical significance of this alteration remains unclear.

NM_002354.3(EPCAM):c.373A>G (p.Arg125Gly)

Gene: EPCAM (epithelial cell adhesion molecule; plus strand). Cytogenetic location: 2p21.
Variant type: single nucleotide variant.
Coding change: c.373A>G on transcript NM_002354.3 (MANE Select); coding-DNA position 373, A replaced by G.
Protein change: p.Arg125Gly; replaces arginine 125 with glycine.
Molecular consequence: missense variant.
Genome position (GRCh38, 1-based): chr2:47,373,996, A>G. VCF-style: chr2-47373996-A-G. GRCh37 (hg19) VCF-style: chr2-47601135-A-G.
Other names: short protein forms R125G.
Identifiers: ClinVar variation 2447109 (VCV002447109.3), dbSNP rs2103747818, ClinGen allele CA346723376.
Genomic context (GRCh38, chr2:47,373,996, plus strand): 5'-TTTAAGGCCAAGCAGTGCAACGGCACCTCCATGTGCTGGTGTGTGAACACTGCTGGGGTC[A>G]GAAGAACAGACAAGGACACTGAAATAACCTGCTCTGAGCGAGTGAGAACCTAGTGAGTGG-3'
Protein context (NP_002345.2, residues 115-135): MCWCVNTAGV[Arg125Gly]RTDKDTEITC